The following is an entry in ClinVar:

ClinVar aggregate classification (germline): Likely pathogenic (1 of 4 stars; one submission).

Conditions:
Fraser syndrome 1 (FRASRS1). Also called: CRYPTOPHTHALMOS WITH OTHER MALFORMATIONS. Identifiers: Orphanet 2052, MedGen C4551480, MONDO:0054737, OMIM 219000.

Submission:

Women's Health and Genetics/Laboratory Corporation of America, LabCorp
Classification: Likely pathogenic for Fraser syndrome 1. Last evaluated: 2023-03-15. Review status: criteria provided, single submitter. Criteria: LabCorp Variant Classification Summary - May 2015. Collection method: clinical testing. Allele origin: germline.
Comment: Variant summary: The variant identified by MLPA or other technology involves the deletion of exon 42 in the FRAS1 gene. A presumed nomenclature of c.(5665+1_5666-1)_(5856+1_5857-1)del has been designated for the purposes of this classification. Although exact breakpoints of this deletion are not known, it is expected to result in a frameshift in the FRAS1 gene, a known mechanism of disease. The variant was absent in 21694 control chromosomes (gnomAD, Structural Variants Dataset). To our knowledge, no occurrence of c.(5665+1_5666-1)_(5856+1_5857-1)del in individuals affected with Cryptophthalmos Syndrome and no experimental evidence demonstrating its impact on protein function have been reported. No clinical diagnostic laboratories have submitted clinical-significance assessments for this variant to ClinVar after 2014. Based on the evidence outlined above, the variant was classified as likely pathogenic.

NC_000004.11:g.(79362452_79366675)_(79366867_79367880)del

Gene: FRAS1 (Fraser extracellular matrix complex subunit 1; plus strand). Cytogenetic location: 4q21.21.
Variant type: Deletion.
Identifiers: ClinVar variation 2501257 (VCV002501257.1).